The following is an entry in ClinVar:

NM_017617.5(NOTCH1):c.7090A>G (p.Ser2364Gly)

Gene: NOTCH1 (notch receptor 1; minus strand). Cytogenetic location: 9q34.3.
Variant type: single nucleotide variant.
Coding change: c.7090A>G on transcript NM_017617.5 (MANE Select); coding-DNA position 7090, A replaced by G.
Protein change: p.Ser2364Gly; replaces serine 2364 with glycine.
Molecular consequence: missense variant.
Genome position (GRCh38, 1-based): chr9:136,496,649, T>C on the plus strand (A>G on the coding strand, the complement: NOTCH1 is on the minus strand). VCF-style: chr9-136496649-T-C. GRCh37 (hg19) VCF-style: chr9-139391101-T-C.
Other names: c.7090A>G, p.Ser2364Gly (LRG_1122t1); short protein forms S2364G.
Identifiers: ClinVar variation 409085 (VCV000409085.22), dbSNP rs201045092, ClinGen allele CA5339754.

ClinVar aggregate classification (germline): Likely benign. Review status: criteria provided, multiple submitters, no conflicts (2 of 4 stars). 7 submissions from 6 submitters: Likely benign (7). Last evaluated 2026-01-07.

Conditions:
Adams-Oliver syndrome 5 (AOS5). Identifiers: Orphanet 974, MedGen C4014970, MONDO:0014459, OMIM 616028.
Familial thoracic aortic aneurysm and aortic dissection (TAAD). Also called: Thoracic aortic aneurysms and dissections. Identifiers: Orphanet 91387, MedGen C4707243, MONDO:0019625.
Aortic valve disease 1 (AOVD1). Identifiers: MedGen C3887892, MONDO:0024523, OMIM 109730.

Allele frequency attached by ClinVar (database versions not stated): gnomAD exomes 0.00014 and 0.00029; ExAC 0.00018; gnomAD 0.00019 and 0.00020; TOPMed 0.00019; ESP Exome Variant Server 0.00032.
gnomAD v4.1: 243 of 1,612,938 alleles (0.015%); highest among the groups gnomAD compares: Admixed American, 0.055%; 3 homozygotes.

Submissions (7):

Labcorp Genetics (formerly Invitae), Labcorp
Classification: Likely benign for Adams-Oliver syndrome 5. Last evaluated: 2026-01-07. Review status: criteria provided, single submitter. Criteria: Invitae Variant Classification Sherloc (09022015). Collection method: clinical testing. Allele origin: germline.

Women's Health and Genetics/Laboratory Corporation of America, LabCorp
Classification: Likely benign. Last evaluated: 2025-02-13. Review status: criteria provided, single submitter. Criteria: LabCorp Variant Classification Summary - May 2015. Collection method: clinical testing. Allele origin: germline.
Comment: Variant summary: NOTCH1 c.7090A>G (p.Ser2364Gly) results in a non-conservative amino acid change in the encoded protein sequence. Four of five in-silico tools predict a benign effect of the variant on protein function. The variant allele was found at a frequency of 0.00029 in 248052 control chromosomes, predominantly at a frequency of 0.00061 within the Latino subpopulation in the gnomAD database. The observed variant frequency within Latino control individuals in the gnomAD database is approximately 976 fold of the estimated maximal expected allele frequency for a pathogenic variant in NOTCH1 causing Adams-Oliver Syndrome 5 phenotype (6.3e-07). To our knowledge, no occurrence of c.7090A>G in individuals affected with Adams-Oliver Syndrome 5 and no experimental evidence demonstrating its impact on protein function have been reported. ClinVar contains an entry for this variant (Variation ID: 409085). Based on the evidence outlined above, the variant was classified as likely benign.

Blueprint Genetics
Classification: Likely benign. Last evaluated: 2024-10-14. Review status: criteria provided, single submitter. Criteria: ACMG Guidelines, 2015. Collection method: clinical testing. Allele origin: germline.

Genome-Nilou Lab
Classification: Likely benign for Adams-Oliver syndrome 5. Last evaluated: 2022-03-15. Review status: criteria provided, single submitter. Criteria: ACMG Guidelines, 2015. Collection method: clinical testing. Allele origin: germline. Affected: no.

Genome-Nilou Lab
Classification: Likely benign for Aortic valve disease 1. Last evaluated: 2022-03-15. Review status: criteria provided, single submitter. Criteria: ACMG Guidelines, 2015. Collection method: clinical testing. Allele origin: germline. Affected: no.

GeneDx
Classification: Likely benign. Last evaluated: 2020-09-15. Review status: criteria provided, single submitter. Criteria: GeneDx Variant Classification Process June 2021. Collection method: clinical testing. Allele origin: germline. Affected: yes.

Ambry Genetics
Classification: Likely benign for Familial thoracic aortic aneurysm and aortic dissection. Last evaluated: 2019-05-03. Review status: criteria provided, single submitter. Criteria: Ambry Variant Classification Scheme 2023. Collection method: clinical testing. Allele origin: germline.

Literature cited by the submitters: PubMed 24943832 (cited by Women's Health and Genetics/Laboratory Corporation of America, LabCorp); PubMed 16614245 (cited by Women's Health and Genetics/Laboratory Corporation of America, LabCorp); PubMed 21670202 (cited by Women's Health and Genetics/Laboratory Corporation of America, LabCorp); PubMed 22210878 (cited by Women's Health and Genetics/Laboratory Corporation of America, LabCorp); PubMed 19635999 (cited by Women's Health and Genetics/Laboratory Corporation of America, LabCorp); PubMed 26837699 (cited by Women's Health and Genetics/Laboratory Corporation of America, LabCorp); PubMed 23086750 (cited by Women's Health and Genetics/Laboratory Corporation of America, LabCorp); PubMed 19245433 (cited by Women's Health and Genetics/Laboratory Corporation of America, LabCorp); PubMed 22077063 (cited by Women's Health and Genetics/Laboratory Corporation of America, LabCorp); PubMed 15472075 (cited by Women's Health and Genetics/Laboratory Corporation of America, LabCorp); PubMed 23734977 (cited by Women's Health and Genetics/Laboratory Corporation of America, LabCorp); PubMed 22858860 (cited by Women's Health and Genetics/Laboratory Corporation of America, LabCorp).